The following is an entry in ClinVar:

ClinVar aggregate classification (germline): Likely pathogenic (1 of 4 stars; one submission).

Conditions:
Primary ciliary dyskinesia 7. Also called: CILIARY DYSKINESIA, PRIMARY, 7, WITH OR WITHOUT SITUS INVERSUS. Identifiers: Orphanet 244, MedGen C2678473, MONDO:0012748, OMIM 611884.

Submission:

Molecular Genetics Department, Kulakov National Medical Research Center for Obstetrics, Gynecology and Perinatology
Classification: Likely pathogenic for Primary ciliary dyskinesia 7. Review status: criteria provided, single submitter. Criteria: ACMG Guidelines, 2015. Collection method: clinical testing. Allele origin: paternal. Affected: yes.
Comment: A previously undescribed nucleotide variant creates a premature translation stop signal p.Trp3872Ter in the DNAH11 gene. Homozygous and compound heterozygous variants are reported in patients with Ciliary dyskinesia, primary, 7, with or without situs inversus, 611884. The variant is not present in population database (gnomAD no frequency). In summary, the currently available evidence indicates that the variant is pathogenic, but additional data are needed to prove that conclusively. Therefore, this variant has been classified as likely pathogenic.

NM_001277115.2(DNAH11):c.11615G>A (p.Trp3872Ter)

Gene: DNAH11 (dynein axonemal heavy chain 11; plus strand). Cytogenetic location: 7p15.3.
Variant type: single nucleotide variant.
Coding change: c.11615G>A on transcript NM_001277115.2 (MANE Select); coding-DNA position 11615, G replaced by A.
Protein change: p.Trp3872Ter; replaces tryptophan 3872 with a stop codon.
Molecular consequence: nonsense.
Genome position (GRCh38, 1-based): chr7:21,866,588, G>A. VCF-style: chr7-21866588-G-A. GRCh37 (hg19) VCF-style: chr7-21906206-G-A.
Other names: c.11636G>A, p.Trp3879Ter (NM_003777.3); short protein forms W3872*, W3879*.
Identifiers: ClinVar variation 3062245 (VCV003062245.1), dbSNP rs754491866, ClinGen allele CA366962086.